The following is an entry in ClinVar:

NM_001378418.1(TCF20):c.3682C>G (p.Gln1228Glu)

Gene: TCF20 (transcription factor 20; minus strand). Cytogenetic location: 22q13.2.
Variant type: single nucleotide variant.
Coding change: c.3682C>G on transcript NM_001378418.1 (MANE Select); coding-DNA position 3682, C replaced by G.
Protein change: p.Gln1228Glu; replaces glutamine 1228 with glutamic acid.
Molecular consequence: missense variant.
Genome position (GRCh38, 1-based): chr22:42,211,624, G>C on the plus strand (C>G on the coding strand, the complement: TCF20 is on the minus strand). VCF-style: chr22-42211624-G-C. GRCh37 (hg19) VCF-style: chr22-42607630-G-C.
Other names: c.3682C>G, p.Gln1228Glu (NM_005650.4, NM_181492.3); short protein forms Q1228E.
Identifiers: ClinVar variation 4706534 (VCV004706534.1).

ClinVar aggregate classification (germline): Uncertain significance (1 of 4 stars; one submission).

gnomAD v4.1: 1 of 1,614,226 alleles (0.000062%); highest among the groups gnomAD compares: South Asian, 0.0011%; no homozygotes.

Submission:

Labcorp Genetics (formerly Invitae), Labcorp
Classification: Uncertain significance. Last evaluated: 2025-05-10. Review status: criteria provided, single submitter. Criteria: Invitae Variant Classification Sherloc (09022015). Collection method: clinical testing. Allele origin: germline.
Comment: This sequence change replaces glutamine, which is neutral and polar, with glutamic acid, which is acidic and polar, at codon 1228 of the TCF20 protein (p.Gln1228Glu). This variant is not present in population databases (gnomAD no frequency). This variant has not been reported in the literature in individuals affected with TCF20-related conditions. An algorithm developed to predict the effect of missense changes on protein structure and function (PolyPhen-2) suggests that this variant is likely to be tolerated. In summary, the available evidence is currently insufficient to determine the role of this variant in disease. Therefore, it has been classified as a Variant of Uncertain Significance.